The following is an entry in ClinVar:

ClinVar aggregate classification (germline): Uncertain significance. Review status: criteria provided, multiple submitters, no conflicts (2 of 4 stars). 2 submissions from 2 submitters: Uncertain significance (2). Last evaluated 2024-10-21.

Allele frequency attached by ClinVar (database versions not stated): TOPMed 0.00003.
gnomAD v4.1: 1 of 1,613,936 alleles (0.000062%); highest among the groups gnomAD compares: African/African-American, 0.0013%; no homozygotes.

Submissions (2):

Labcorp Genetics (formerly Invitae), Labcorp
Classification: Uncertain significance. Last evaluated: 2024-10-21. Review status: criteria provided, single submitter. Criteria: Invitae Variant Classification Sherloc (09022015). Collection method: clinical testing. Allele origin: germline.
Comment: This sequence change replaces cysteine, which is neutral and slightly polar, with phenylalanine, which is neutral and non-polar, at codon 3222 of the USH2A protein (p.Cys3222Phe). This variant is present in population databases (no rsID available, gnomAD 0.01%). This variant has not been reported in the literature in individuals affected with USH2A-related conditions. ClinVar contains an entry for this variant (Variation ID: 2417168). Invitae Evidence Modeling of protein sequence and biophysical properties (such as structural, functional, and spatial information, amino acid conservation, physicochemical variation, residue mobility, and thermodynamic stability) indicates that this missense variant is expected to disrupt USH2A protein function with a positive predictive value of 95%. In summary, the available evidence is currently insufficient to determine the role of this variant in disease. Therefore, it has been classified as a Variant of Uncertain Significance.

Blueprint Genetics
Classification: Uncertain significance. Last evaluated: 2019-09-02. Review status: criteria provided, single submitter. Criteria: ACMG Guidelines, 2015. Collection method: clinical testing. Allele origin: germline.

NM_206933.4(USH2A):c.9665G>T (p.Cys3222Phe)

Gene: USH2A (usherin; minus strand). Cytogenetic location: 1q41.
Variant type: single nucleotide variant.
Coding change: c.9665G>T on transcript NM_206933.4 (MANE Select); coding-DNA position 9665, G replaced by T.
Protein change: p.Cys3222Phe; replaces cysteine 3222 with phenylalanine.
Molecular consequence: missense variant.
Genome position (GRCh38, 1-based): chr1:215,813,810, C>A on the plus strand (G>T on the coding strand, the complement: USH2A is on the minus strand). VCF-style: chr1-215813810-C-A. GRCh37 (hg19) VCF-style: chr1-215987152-C-A.
Other names: short protein forms C3222F.
Identifiers: ClinVar variation 2417168 (VCV002417168.5), dbSNP rs766639909, ClinGen allele CA344821815.